The following is an entry in ClinVar:

NM_001128228.3(TPRN):c.474GCC[8] (p.Pro163_Pro164dup)

Gene: TPRN (taperin; minus strand). Cytogenetic location: 9q34.3.
Variant type: Microsatellite.
Coding change: c.474GCC[8] on transcript NM_001128228.3 (MANE Select); eight copies in a row of the 3-base unit GCC starting at c.474; the reference has six copies in a row; two copies, 6 bases duplicated.
Protein change: p.Pro163_Pro164dup.
Molecular consequence: inframe insertion.
Genome position (GRCh38, 1-based): chr9:137,200,221-137,200,226, GGCGGC duplicated on the plus strand (GCCGCC on the coding strand, the reverse complement: TPRN is on the minus strand); duplicating any 6 consecutive bases within chr9:137,200,221-137,200,240 gives the same sequence; the position shown is the placement nearest the transcript's 3' end. VCF-style (leftmost placement, unchanged base first): chr9-137200220-G-GGGCGGC. GRCh37 (hg19) VCF-style: chr9-140094672-G-GGGCGGC.
Identifiers: ClinVar variation 1417398 (VCV001417398.3), dbSNP rs957768814, ClinGen allele CA201721338.

ClinVar aggregate classification (germline): Uncertain significance (1 of 4 stars; one submission).

Submission:

Labcorp Genetics (formerly Invitae), Labcorp
Classification: Uncertain significance. Last evaluated: 2021-09-03. Review status: criteria provided, single submitter. Criteria: Invitae Variant Classification Sherloc (09022015). Collection method: clinical testing. Allele origin: germline.
Comment: This variant, c.486_491dup, results in the insertion of 2 amino acid(s) to the TPRN protein (p.Pro163_Pro164dup), but otherwise preserves the integrity of the reading frame. The frequency data for this variant in the population databases is considered unreliable, as metrics indicate insufficient coverage at this position in the ExAC database. This variant has not been reported in the literature in individuals affected with TPRN-related conditions. Experimental studies and prediction algorithms are not available or were not evaluated, and the functional significance of this variant is currently unknown. In summary, the available evidence is currently insufficient to determine the role of this variant in disease. Therefore, it has been classified as a Variant of Uncertain Significance.